The following is an entry in ClinVar:

ClinVar aggregate classification (germline): Uncertain significance (1 of 4 stars; one submission).

Conditions:
Hereditary cancer-predisposing syndrome. Also called: Tumor predisposition; Hereditary neoplastic syndrome; Hereditary Cancer Syndrome; Neoplastic Syndromes, Hereditary. Identifiers: Orphanet 140162, MedGen C0027672, MeSH D009386, MONDO:0015356.

Submission:

Ambry Genetics
Classification: Uncertain significance for Hereditary cancer-predisposing syndrome. Last evaluated: 2025-05-17. Review status: criteria provided, single submitter. Criteria: Ambry Variant Classification Scheme 2023. Collection method: clinical testing. Allele origin: germline.
Comment: The p.L44I variant (also known as c.130C>A), located in coding exon 1 of the SUFU gene, results from a C to A substitution at nucleotide position 130. The leucine at codon 44 is replaced by isoleucine, an amino acid with highly similar properties. This amino acid position is conserved. In addition, the in silico prediction for this alteration is inconclusive. Based on the available evidence, the clinical significance of this variant remains unclear.

NM_016169.4(SUFU):c.130C>A (p.Leu44Ile)

Gene: SUFU (SUFU negative regulator of hedgehog signaling; plus strand). Cytogenetic location: 10q24.32.
Variant type: single nucleotide variant.
Coding change: c.130C>A on transcript NM_016169.4 (MANE Select); coding-DNA position 130, C replaced by A.
Protein change: p.Leu44Ile; replaces leucine 44 with isoleucine.
Molecular consequence: missense variant.
Genome position (GRCh38, 1-based): chr10:102,504,282, C>A. VCF-style: chr10-102504282-C-A. GRCh37 (hg19) VCF-style: chr10-104264039-C-A.
Other names: c.130C>A, p.Leu44Ile (NM_001178133.2); short protein forms L44I.
Identifiers: ClinVar variation 3963869 (VCV003963869.1).